The following is an entry in ClinVar:

NM_001378414.1(HDAC4):c.944G>A (p.Gly315Asp)

Gene: HDAC4 (histone deacetylase 4; minus strand). Cytogenetic location: 2q37.3.
Variant type: single nucleotide variant.
Coding change: c.944G>A on transcript NM_001378414.1 (MANE Select); coding-DNA position 944, G replaced by A.
Protein change: p.Gly315Asp; replaces glycine 315 with aspartic acid.
Molecular consequence: missense variant.
Genome position (GRCh38, 1-based): chr2:239,139,718, C>T on the plus strand (G>A on the coding strand, the complement: HDAC4 is on the minus strand). VCF-style: chr2-239139718-C-T. GRCh37 (hg19) VCF-style: chr2-240061414-C-T.
Other names: c.944G>A, p.Gly315Asp (NM_001378415.1, NM_001378416.1, NM_001378417.1 and 1 more transcripts); c.863G>A, p.Gly288Asp (NM_001435991.1, NM_001435992.1, NM_001435994.1 and 1 more transcripts); c.800G>A, p.Gly267Asp (NM_001435993.1); c.929G>A, p.Gly310Asp (NM_001435996.1); short protein forms G267D, G288D, G310D, G315D.
Identifiers: ClinVar variation 4849174 (VCV004849174.1).

ClinVar aggregate classification (germline): Uncertain significance (1 of 4 stars; one submission).

gnomAD v4.1: 3 of 1,614,114 alleles (0.00019%); highest among the groups gnomAD compares: Admixed American, 0.0033%; no homozygotes.

Submission:

Women's Health and Genetics/Laboratory Corporation of America, LabCorp
Classification: Uncertain significance. Last evaluated: 2026-04-22. Review status: criteria provided, single submitter. Criteria: LabCorp Variant Classification Summary - May 2015. Collection method: clinical testing. Allele origin: germline.
Comment: Variant summary: HDAC4 c.944G>A (p.Gly315Asp) results in a non-conservative amino acid change in the encoded protein sequence. Algorithms developed to predict the effect of missense changes on protein structure and function are either unavailable or do not agree on the potential impact of this missense change. The variant allele was found at a frequency of 8e-06 in 250804 control chromosomes. The available data on variant occurrences in the general population are insufficient to allow any conclusion about variant significance. To our knowledge, no occurrence of c.944G>A in individuals affected with HDAC4-related conditions and no experimental evidence demonstrating its impact on protein function have been reported. No submitters have cited clinical-significance assessments for this variant to ClinVar. Based on the evidence outlined above, the variant was classified as uncertain significance.